The following is an entry in ClinVar:

ClinVar aggregate classification (germline): Uncertain significance. Review status: criteria provided, multiple submitters, no conflicts (2 of 4 stars). 2 submissions from 2 submitters: Uncertain significance (2). Last evaluated 2025-10-24.

Conditions:
Gorlin syndrome. Also called: Basal cell nevus syndrome; Nevoid Basal Cell Carcinoma Syndrome. Identifiers: Orphanet 377, MedGen C0004779, MONDO:0007187.
Hereditary cancer-predisposing syndrome. Also called: Hereditary Cancer Syndrome; Hereditary neoplastic syndrome; Tumor predisposition; Neoplastic Syndromes, Hereditary. Identifiers: Orphanet 140162, MedGen C0027672, MeSH D009386, MONDO:0015356.

Submissions (2):

Ambry Genetics
Classification: Uncertain significance for Hereditary cancer-predisposing syndrome. Last evaluated: 2025-10-24. Review status: criteria provided, single submitter. Criteria: Ambry Variant Classification Scheme 2023. Collection method: clinical testing. Allele origin: germline.
Comment: The p.V1126F variant (also known as c.3376G>T), located in coding exon 20 of the PTCH1 gene, results from a G to T substitution at nucleotide position 3376. The valine at codon 1126 is replaced by phenylalanine, an amino acid with highly similar properties. This amino acid position is highly conserved in available vertebrate species. In addition, this alteration is predicted to be deleterious by in silico analysis. Based on the available evidence, the clinical significance of this variant remains unclear.

Labcorp Genetics (formerly Invitae), Labcorp
Classification: Uncertain significance for Gorlin syndrome. Last evaluated: 2022-08-22. Review status: criteria provided, single submitter. Criteria: Invitae Variant Classification Sherloc (09022015). Collection method: clinical testing. Allele origin: germline.
Comment: ClinVar contains an entry for this variant (Variation ID: 1353672). This variant has not been reported in the literature in individuals affected with PTCH1-related conditions. This variant is not present in population databases (gnomAD no frequency). This sequence change replaces valine, which is neutral and non-polar, with phenylalanine, which is neutral and non-polar, at codon 1126 of the PTCH1 protein (p.Val1126Phe). Advanced modeling of protein sequence and biophysical properties (such as structural, functional, and spatial information, amino acid conservation, physicochemical variation, residue mobility, and thermodynamic stability) performed at Invitae indicates that this missense variant is expected to disrupt PTCH1 protein function. In summary, the available evidence is currently insufficient to determine the role of this variant in disease. Therefore, it has been classified as a Variant of Uncertain Significance.

NM_000264.5(PTCH1):c.3376G>T (p.Val1126Phe)

Gene: PTCH1 (patched 1; minus strand). Cytogenetic location: 9q22.32.
Variant type: single nucleotide variant.
Coding change: c.3376G>T on transcript NM_000264.5 (MANE Select); coding-DNA position 3376, G replaced by T.
Protein change: p.Val1126Phe; replaces valine 1126 with phenylalanine.
Molecular consequence: missense variant. On other transcripts: non-coding transcript variant (1).
Genome position (GRCh38, 1-based): chr9:95,453,551, C>A on the plus strand (G>T on the coding strand, the complement: PTCH1 is on the minus strand). VCF-style: chr9-95453551-C-A. GRCh37 (hg19) VCF-style: chr9-98215833-C-A.
Other names: c.3178G>T, p.Val1060Phe (NM_001083602.3); c.3373G>T, p.Val1125Phe (NM_001083603.3); c.2923G>T, p.Val975Phe (NM_001083604.3, NM_001083605.3, NM_001083606.3 and 1 more transcripts); c.3220G>T, p.Val1074Phe (NM_001354918.2); c.3376G>T (NM_000264.3); short protein forms V1074F, V975F, V1126F, V1060F, V1125F.
Identifiers: ClinVar variation 1353672 (VCV001353672.7), dbSNP rs147025073, ClinGen allele CA374111793.